The following is an entry in ClinVar:

NM_007078.3(LDB3):c.1094C>T (p.Ala365Val)

Gene: LDB3 (LIM domain binding 3; plus strand). Cytogenetic location: 10q23.2.
Variant type: single nucleotide variant.
Coding change: c.1094C>T on transcript NM_007078.3 (MANE Select); coding-DNA position 1094, C replaced by T.
Protein change: p.Ala365Val; replaces alanine 365 with valine.
Molecular consequence: missense variant.
Genome position (GRCh38, 1-based): chr10:86,709,913, C>T. VCF-style: chr10-86709913-C-T. GRCh37 (hg19) VCF-style: chr10-88469670-C-T.
Other names: c.764C>T, p.Ala255Val (NM_001080114.2); c.1109C>T, p.Ala370Val (NM_001171610.2); c.905C>T, p.Ala302Val (NM_001368064.1, NM_001368065.1); c.953C>T, p.Ala318Val (NM_001368066.1); short protein forms A255V, A365V, A370V, A302V, A318V.
Identifiers: ClinVar variation 968601 (VCV000968601.12), dbSNP rs747011937, ClinGen allele CA5585054.

ClinVar aggregate classification (germline): Uncertain significance. Review status: criteria provided, multiple submitters, no conflicts (2 of 4 stars). 2 submissions from 2 submitters: Uncertain significance (2). Last evaluated 2022-06-04.

Conditions:
Cardiovascular phenotype. Identifiers: MedGen CN230736.
Myofibrillar myopathy 4. Also called: Zaspopathy (type). Identifiers: Orphanet 98912, MedGen C4721886, MONDO:0012277, OMIM 609452.

Allele frequency attached by ClinVar (database versions not stated): gnomAD exomes below 0.00001 and 0.00001; ExAC 0.00001; TOPMed 0.00004.

Submissions (2):

Labcorp Genetics (formerly Invitae), Labcorp
Classification: Uncertain significance for Myofibrillar myopathy 4. Last evaluated: 2022-06-04. Review status: criteria provided, single submitter. Criteria: Invitae Variant Classification Sherloc (09022015). Collection method: clinical testing. Allele origin: germline.
Comment: The LDB3 gene has multiple clinically relevant transcripts. This variant occurs in alternate transcript NM_007078.3, and corresponds to NM_001080116.1:c.*10539C>T in the primary transcript. This sequence change replaces alanine, which is neutral and non-polar, with valine, which is neutral and non-polar, at codon 365 of the LDB3 protein (p.Ala365Val). This variant has not been reported in the literature in individuals affected with LDB3-related conditions. This variant is present in population databases (rs747011937, gnomAD 0.03%). Experimental studies and prediction algorithms are not available or were not evaluated, and the functional significance of this variant is currently unknown. In summary, the available evidence is currently insufficient to determine the role of this variant in disease. Therefore, it has been classified as a Variant of Uncertain Significance. Algorithms developed to predict the effect of sequence changes on RNA splicing suggest that this variant may create or strengthen a splice site.

Ambry Genetics
Classification: Uncertain significance for Cardiovascular phenotype. Last evaluated: 2019-10-24. Review status: criteria provided, single submitter. Criteria: Ambry Variant Classification Scheme 2023. Collection method: clinical testing. Allele origin: germline.
Comment: The p.A365V variant (also known as c.1094C>T), located in coding exon 8 of the LDB3 gene, results from a C to T substitution at nucleotide position 1094. The alanine at codon 365 is replaced by valine, an amino acid with similar properties. This amino acid position is poorly conserved in available vertebrate species. In addition, this alteration is predicted to be tolerated by in silico analysis. Since supporting evidence is limited at this time, the clinical significance of this alteration remains unclear.